The following is an entry in ClinVar:

ClinVar aggregate classification (germline): Conflicting classifications of pathogenicity. Review status: criteria provided, conflicting classifications (1 of 4 stars). 6 submissions from 6 submitters: Uncertain significance (1); Benign (2); Likely benign (3). Last evaluated 2026-01-28.

Conditions:
LZTR1-related schwannomatosis. Also called: Schwannomatosis-2, susceptibility to; Schwannomatosis 2. Identifiers: Orphanet 93921, MedGen C3810283, MONDO:0014299, OMIM 615670.

Allele frequency attached by ClinVar (database versions not stated): ExAC 0.00046; gnomAD 0.00049 and 0.00050; TOPMed 0.00049; ESP Exome Variant Server 0.00054.
gnomAD v4.1: 812 of 1,613,990 alleles (0.05%); highest among the groups gnomAD compares: Middle Eastern, 0.099%; 4 homozygotes.

Submissions (6):

Labcorp Genetics (formerly Invitae), Labcorp
Classification: Benign. Last evaluated: 2026-01-28. Review status: criteria provided, single submitter. Criteria: Invitae Variant Classification Sherloc (09022015). Collection method: clinical testing. Allele origin: germline.

Blueprint Genetics
Classification: Likely benign. Last evaluated: 2024-11-26. Review status: criteria provided, single submitter. Criteria: ACMG Guidelines, 2015. Collection method: clinical testing. Allele origin: germline.

Department of Pathology and Laboratory Medicine, Sinai Health System
Classification: Likely benign for LZTR1-related schwannomatosis. Last evaluated: 2022-08-17. Review status: criteria provided, single submitter. Criteria: ACMG Guidelines, 2015. Collection method: clinical testing. Allele origin: germline. Affected: yes.

Institute for Clinical Genetics, University Hospital TU Dresden, University Hospital TU Dresden
Classification: Uncertain significance. Last evaluated: 2021-11-03. Review status: criteria provided, single submitter. Criteria: ACMG Guidelines, 2015. Collection method: clinical testing. Allele origin: germline.

Women's Health and Genetics/Laboratory Corporation of America, LabCorp
Classification: Benign. Last evaluated: 2020-09-08. Review status: criteria provided, single submitter. Criteria: LabCorp Variant Classification Summary - May 2015. Collection method: clinical testing. Allele origin: germline.
Comment: Variant summary: LZTR1 c.652-10C>A alters a non-conserved nucleotide located close to a canonical splice site and therefore could affect mRNA splicing, leading to a significantly altered protein sequence. 4/4 computational tools predict no significant impact on normal splicing. However, these predictions have yet to be confirmed by functional studies. The variant allele was found at a frequency of 0.00056 in 251174 control chromosomes, predominantly at a frequency of 0.00057 within the Non-Finnish European subpopulation in the gnomAD database. The observed variant frequency within Non-Finnish European control individuals in the gnomAD database is approximately 114 fold of the estimated maximal expected allele frequency for a pathogenic variant in LZTR1 causing Noonan Syndrome phenotype (5e-06), strongly suggesting that the variant is a benign polymorphism found primarily in populations of Non-Finnish European origin. To our knowledge, no occurrence of c.652-10C>A in individuals affected with Noonan Syndrome and no experimental evidence demonstrating its impact on protein function have been reported. No clinical diagnostic laboratories have submitted clinical-significance assessments for this variant to ClinVar after 2014. Based on the evidence outlined above, the variant was classified as benign.

GeneDx
Classification: Likely benign. Last evaluated: 2020-08-04. Review status: criteria provided, single submitter. Criteria: GeneDx Variant Classification Process June 2021. Collection method: clinical testing. Allele origin: germline. Affected: yes.

NM_006767.4(LZTR1):c.652-10C>A

Gene: LZTR1 (leucine zipper like post translational regulator 1; plus strand). Cytogenetic location: 22q11.21.
Variant type: single nucleotide variant.
Coding change: c.652-10C>A on transcript NM_006767.4 (MANE Select); 10 bases into the intron before coding-DNA position 652, C replaced by A.
Molecular consequence: intron variant.
Genome position (GRCh38, 1-based): chr22:20,990,376, C>A. VCF-style: chr22-20990376-C-A. GRCh37 (hg19) VCF-style: chr22-21344665-C-A.
Identifiers: ClinVar variation 981108 (VCV000981108.35), dbSNP rs200169897, ClinGen allele CA10118579.